The following is an entry in ClinVar:

NM_001008216.2(GALE):c.358A>G (p.Lys120Glu)

Gene: GALE (UDP-galactose-4-epimerase; minus strand). Cytogenetic location: 1p36.11.
Variant type: single nucleotide variant.
Coding change: c.358A>G on transcript NM_001008216.2 (MANE Select); coding-DNA position 358, A replaced by G.
Protein change: p.Lys120Glu; replaces lysine 120 with glutamic acid.
Molecular consequence: missense variant.
Genome position (GRCh38, 1-based): chr1:23,797,865, T>C on the plus strand (A>G on the coding strand, the complement: GALE is on the minus strand). VCF-style: chr1-23797865-T-C. GRCh37 (hg19) VCF-style: chr1-24124355-T-C.
Other names: c.358A>G, p.Lys120Glu (NM_000403.4, NM_001127621.2); short protein forms K120E.
Identifiers: ClinVar variation 2104663 (VCV002104663.4), dbSNP rs1482754499, ClinGen allele CA339013054.

ClinVar aggregate classification (germline): Uncertain significance (1 of 4 stars; one submission).

Conditions:
UDPglucose-4-epimerase deficiency. Also called: GALACTOSEMIA III; GALE DEFICIENCY; Epimerase Deficiency Galactosemia; UDP-GALACTOSE-4-EPIMERASE DEFICIENCY; Galactose epimerase deficiency; UDPglucose 4-Epimerase Deficiency Disease. Identifiers: Orphanet 352, Orphanet 79238, MedGen C0751161, MONDO:0009257, OMIM 230350.

Allele frequency attached by ClinVar (database versions not stated): gnomAD exomes below 0.00001.
gnomAD v4.1: 2 of 1,614,196 alleles (0.00012%); highest among the groups gnomAD compares: Admixed American, 0.0033%; no homozygotes.

Submission:

Labcorp Genetics (formerly Invitae), Labcorp
Classification: Uncertain significance for UDPglucose-4-epimerase deficiency. Last evaluated: 2022-11-02. Review status: criteria provided, single submitter. Criteria: Invitae Variant Classification Sherloc (09022015). Collection method: clinical testing. Allele origin: germline.
Comment: In summary, the available evidence is currently insufficient to determine the role of this variant in disease. Therefore, it has been classified as a Variant of Uncertain Significance. Advanced modeling of protein sequence and biophysical properties (such as structural, functional, and spatial information, amino acid conservation, physicochemical variation, residue mobility, and thermodynamic stability) performed at Invitae indicates that this missense variant is not expected to disrupt GALE protein function. This variant has not been reported in the literature in individuals affected with GALE-related conditions. This variant is present in population databases (no rsID available, gnomAD 0.003%). This sequence change replaces lysine, which is basic and polar, with glutamic acid, which is acidic and polar, at codon 120 of the GALE protein (p.Lys120Glu).